The following is an entry in ClinVar:

NM_001003800.2(BICD2):c.1658T>G (p.Met553Arg)

Gene: BICD2 (BICD cargo adaptor 2; minus strand). Cytogenetic location: 9q22.31.
Variant type: single nucleotide variant.
Coding change: c.1658T>G on transcript NM_001003800.2 (MANE Select); coding-DNA position 1658, T replaced by G.
Protein change: p.Met553Arg; replaces methionine 553 with arginine.
Molecular consequence: missense variant.
Genome position (GRCh38, 1-based): chr9:92,718,987, A>C on the plus strand (T>G on the coding strand, the complement: BICD2 is on the minus strand). VCF-style: chr9-92718987-A-C. GRCh37 (hg19) VCF-style: chr9-95481269-A-C.
Other names: c.1658T>G, p.Met553Arg (NM_015250.4); short protein forms M553R.
Identifiers: ClinVar variation 1878953 (VCV001878953.1), dbSNP rs2490444808, ClinGen allele CA374036479.

ClinVar aggregate classification (germline): Uncertain significance (1 of 4 stars; one submission).

Submission:

GeneDx
Classification: Uncertain significance. Last evaluated: 2022-07-14. Review status: criteria provided, single submitter. Criteria: GeneDx Variant Classification Process June 2021. Collection method: clinical testing. Allele origin: germline. Affected: yes.
Comment: Not observed at significant frequency in large population cohorts (gnomAD); In silico analysis supports that this missense variant has a deleterious effect on protein structure/function; Has not been previously published as pathogenic or benign to our knowledge